The following is an entry in ClinVar:

NM_000204.5(CFI):c.1354G>C (p.Ala452Pro)

Gene: CFI (complement factor I; minus strand). Cytogenetic location: 4q25.
Variant type: single nucleotide variant.
Coding change: c.1354G>C on transcript NM_000204.5 (MANE Select); coding-DNA position 1354, G replaced by C.
Protein change: p.Ala452Pro; replaces alanine 452 with proline.
Molecular consequence: missense variant. On other transcripts: non-coding transcript variant (2).
Genome position (GRCh38, 1-based): chr4:109,746,297, C>G on the plus strand (G>C on the coding strand, the complement: CFI is on the minus strand). VCF-style: chr4-109746297-C-G. GRCh37 (hg19) VCF-style: chr4-110667453-C-G.
Other names: c.1378G>C, p.Ala460Pro (NM_001318057.2, NM_001375278.1, NM_001440988.1); c.1333G>C, p.Ala445Pro (NM_001331035.2, NM_001375280.1, NM_001375282.1 and 1 more transcripts); c.1354G>C, p.Ala452Pro (NM_001375279.1, NM_001375281.1, NM_001440989.1); c.1297G>C, p.Ala433Pro (NM_001375283.1); c.745G>C, p.Ala249Pro (NM_001375284.1); c.1375G>C, p.Ala459Pro (NM_001440985.1, NM_001440986.1); short protein forms A249P, A433P, A445P, A452P, A459P, A460P.
Identifiers: ClinVar variation 4280431 (VCV004280431.2).

ClinVar aggregate classification (germline): Likely pathogenic (1 of 4 stars; one submission).

Conditions:
Atypical hemolytic-uremic syndrome. Identifiers: Orphanet 2134, MedGen C2931788, MONDO:0016244.

gnomAD v4.1: 2 of 1,614,026 alleles (0.00012%); highest among the groups gnomAD compares: African/African-American, 0.0013%; no homozygotes.

Submission:

Genomenon, Inc
Classification: Likely pathogenic for Atypical hemolytic-uremic syndrome. Last evaluated: 2026-09-17. Review status: criteria provided, single submitter. Criteria: Genomenon Sequence Variant Interpretation Standards - Updated. Collection method: curation. Allele origin: germline. Affected: yes.
Comment: CFI p.Ala452Pro (c.1354G>C) is a missense variant that changes the amino acid at codon 452 from Alanine to Proline. This variant has been observed in at least one proband affected with atypical hemolytic-uremic syndrome (PMID:39238643;35619721). This variant is located in a mutational hotspot and/or important functional domain. It is absent or not present at a significant frequency in gnomAD. In silico models predict that this variant is possibly or probably damaging. In conclusion, we classify CFI p.Ala452Pro (c.1354G>C) as a likely pathogenic variant.

Literature cited by the submitters: PubMed 39238643; PubMed 35619721.